The following is an entry in ClinVar:

NM_017763.6(RNF43):c.1102C>T (p.Arg368Trp)

Gene: RNF43 (ring finger protein 43; minus strand). Cytogenetic location: 17q22.
Variant type: single nucleotide variant.
Coding change: c.1102C>T on transcript NM_017763.6 (MANE Select); coding-DNA position 1102, C replaced by T.
Protein change: p.Arg368Trp; replaces arginine 368 with tryptophan.
Molecular consequence: missense variant.
Genome position (GRCh38, 1-based): chr17:58,358,674, G>A on the plus strand (C>T on the coding strand, the complement: RNF43 is on the minus strand). VCF-style: chr17-58358674-G-A. GRCh37 (hg19) VCF-style: chr17-56436035-G-A.
Other names: c.1102C>T, p.Arg368Trp (NM_001305544.3); c.721C>T, p.Arg241Trp (NM_001305545.2); c.1102C>T (NM_017763.4); short protein forms R241W, R368W.
Identifiers: ClinVar variation 1021257 (VCV001021257.14), dbSNP rs568220750, ClinGen allele CA8673234.
Genomic context (GRCh38, chr17:58,358,674, plus strand): 5'-GATGCCGAGGGCCCATGCCTGGCTCCTGGGATGGCAGGAAGGGACCAGGTCGTGGGGGCC[G>A]AGCCACTGCACTCCGGGAAGGGCCCAACAGGTAGGCAGCAGGGAGGTGGTAGTGGGCATG-3'
Protein context (NP_060233.3, residues 358-378): LLGPSRSAVA[Arg368Trp]PPRPGPFLPS

ClinVar aggregate classification (germline): Uncertain significance. Review status: criteria provided, multiple submitters, no conflicts (2 of 4 stars). 5 submissions from 5 submitters: Uncertain significance (5). Last evaluated 2025-12-29.

Conditions:
Sessile serrated polyposis cancer syndrome (SSPCS). Identifiers: Orphanet 157798, MedGen C4310714, MONDO:0014919, OMIM 617108.

Allele frequency attached by ClinVar (database versions not stated): gnomAD 0.00001 and 0.00003; TOPMed 0.00002; gnomAD exomes 0.00004 and 0.00006; ExAC 0.00013; 1000 Genomes Project 30x 0.00016; 1000 Genomes Project 0.00020.

Submissions (5):

Center for Genomic Medicine, Rigshospitalet, Copenhagen University Hospital
Classification: Uncertain significance. Last evaluated: 2025-12-29. Review status: criteria provided, single submitter. Criteria: ACMG Guidelines, 2015. Collection method: clinical testing. Allele origin: germline.

Ambry Genetics
Classification: Uncertain significance. Last evaluated: 2024-12-02. Review status: criteria provided, single submitter. Criteria: Ambry Variant Classification Scheme 2023. Collection method: clinical testing. Allele origin: germline.
Comment: The p.R368W variant (also known as c.1102C>T), located in coding exon 8 of the RNF43 gene, results from a C to T substitution at nucleotide position 1102. The arginine at codon 368 is replaced by tryptophan, an amino acid with dissimilar properties. This amino acid position is conserved. In addition, this alteration is predicted to be tolerated by in silico analysis. Based on the available evidence, the clinical significance of this variant remains unclear.

Labcorp Genetics (formerly Invitae), Labcorp
Classification: Uncertain significance. Last evaluated: 2024-08-22. Review status: criteria provided, single submitter. Criteria: Invitae Variant Classification Sherloc (09022015). Collection method: clinical testing. Allele origin: germline.
Comment: This sequence change replaces arginine, which is basic and polar, with tryptophan, which is neutral and slightly polar, at codon 368 of the RNF43 protein (p.Arg368Trp). This variant is present in population databases (rs568220750, gnomAD 0.03%). This variant has not been reported in the literature in individuals affected with RNF43-related conditions. ClinVar contains an entry for this variant (Variation ID: 1021257). An algorithm developed to predict the effect of missense changes on protein structure and function outputs the following: PolyPhen-2: "Benign". The tryptophan amino acid residue is found in multiple mammalian species, which suggests that this missense change does not adversely affect protein function. In summary, the available evidence is currently insufficient to determine the role of this variant in disease. Therefore, it has been classified as a Variant of Uncertain Significance.

Baylor Genetics
Classification: Uncertain significance for Sessile serrated polyposis cancer syndrome. Last evaluated: 2024-01-16. Review status: criteria provided, single submitter. Criteria: ACMG Guidelines, 2015. Collection method: clinical testing. Allele origin: unknown.

GeneDx
Classification: Uncertain significance. Last evaluated: 2023-10-30. Review status: criteria provided, single submitter. Criteria: GeneDx Variant Classification Process June 2021. Collection method: clinical testing. Allele origin: germline. Affected: yes.
Comment: In silico analysis supports that this missense variant does not alter protein structure/function; Has not been previously published as pathogenic or benign to our knowledge; Variants in candidate genes are classified as variants of uncertain significance in accordance with ACMG guidelines (PMID: 25741868)